The following is an entry in ClinVar:

NM_024599.5(RHBDF2):c.*742A>C

Gene: RHBDF2 (rhomboid 5 homolog 2; minus strand). Cytogenetic location: 17q25.1.
Variant type: single nucleotide variant.
Coding change: c.*742A>C on transcript NM_024599.5; 742 bases downstream of the stop codon, A replaced by C.
Genome position (GRCh38, 1-based): chr17:76,470,891, T>G on the plus strand (A>C on the coding strand, the complement: RHBDF2 is on the minus strand). VCF-style: chr17-76470891-T-G. GRCh37 (hg19) VCF-style: chr17-74466973-T-G.
Identifiers: ClinVar variation 369229 (VCV000369229.7), dbSNP rs7221225, ClinGen allele CA10654567.

ClinVar aggregate classification (germline): Benign (1 of 4 stars; one submission).

Conditions:
Palmoplantar keratoderma-esophageal carcinoma syndrome (TOC). Also called: PALMOPLANTAR KERATODERMA WITH ESOPHAGEAL CANCER; KERATOSIS PALMARIS ET PLANTARIS WITH ESOPHAGEAL CANCER; Tylosis with Esophageal Cancer. Identifiers: Orphanet 2198, MedGen C1835664, MONDO:0007856, OMIM 148500.

Allele frequency attached by ClinVar (database versions not stated): TOPMed 0.01514; 1000 Genomes Project 0.01757; 1000 Genomes Project 30x 0.02061.

Submission:

Illumina Laboratory Services, Illumina
Classification: Benign for Palmoplantar keratoderma-esophageal carcinoma syndrome. Last evaluated: 2018-01-13. Review status: criteria provided, single submitter. Criteria: ICSL Variant Classification Criteria 13 December 2019. Collection method: clinical testing. Allele origin: germline.
Comment: This variant was observed in the ICSL laboratory as part of a predisposition screen in an ostensibly healthy population. It had not been previously curated by ICSL or reported in the Human Gene Mutation Database (HGMD: prior to June 1st, 2018), and was therefore a candidate for classification through an automated scoring system. Utilizing variant allele frequency, disease prevalence and penetrance estimates, and inheritance mode, an automated score was calculated to assess if this variant is too frequent to cause the disease. Based on the score and internal cut-off values, a variant classified as benign is not then subjected to further curation. The score for this variant resulted in a classification of benign for this disease.